The following is an entry in ClinVar:

NM_004655.4(AXIN2):c.1816C>G (p.Leu606Val)

Gene: AXIN2 (axin 2; minus strand). Cytogenetic location: 17q24.1.
Variant type: single nucleotide variant.
Coding change: c.1816C>G on transcript NM_004655.4 (MANE Select); coding-DNA position 1816, C replaced by G.
Protein change: p.Leu606Val; replaces leucine 606 with valine.
Molecular consequence: missense variant. On other transcripts: intron variant (1).
Genome position (GRCh38, 1-based): chr17:65,536,960, G>C on the plus strand (C>G on the coding strand, the complement: AXIN2 is on the minus strand). VCF-style: chr17-65536960-G-C. GRCh37 (hg19) VCF-style: chr17-63533078-G-C.
Other names: c.1712+364C>G (NM_001363813.1); c.1816C>G (LRG_296t1); short protein forms L606V.
Identifiers: ClinVar variation 533187 (VCV000533187.15), dbSNP rs1057522718, ClinGen allele CA400676570.

ClinVar aggregate classification (germline): Conflicting classifications of pathogenicity. Review status: criteria provided, conflicting classifications (1 of 4 stars). 3 submissions from 3 submitters: Uncertain significance (2); Likely benign (1). Last evaluated 2025-04-30.

Conditions:
Hereditary cancer-predisposing syndrome. Also called: Hereditary neoplastic syndrome; Neoplastic Syndromes, Hereditary; Tumor predisposition; Hereditary Cancer Syndrome. Identifiers: Orphanet 140162, MedGen C0027672, MeSH D009386, MONDO:0015356.
Oligodontia-cancer predisposition syndrome. Also called: TOOTH AGENESIS-COLORECTAL CANCER SYNDROME. Identifiers: Orphanet 300576, MedGen C1837750, MONDO:0012075, OMIM 608615. Disease mechanism: loss of function.

Allele frequency attached by ClinVar (database versions not stated): gnomAD 0.00001.
gnomAD v4.1: 4 of 1,613,312 alleles (0.00025%); highest among the groups gnomAD compares: Non-Finnish European, 0.00025%; no homozygotes.

Submissions (3):

Labcorp Genetics (formerly Invitae), Labcorp
Classification: Uncertain significance for Oligodontia-cancer predisposition syndrome. Last evaluated: 2025-04-30. Review status: criteria provided, single submitter. Criteria: Invitae Variant Classification Sherloc (09022015). Collection method: clinical testing. Allele origin: germline.
Comment: This sequence change replaces leucine, which is neutral and non-polar, with valine, which is neutral and non-polar, at codon 606 of the AXIN2 protein (p.Leu606Val). This variant is not present in population databases (gnomAD no frequency). This variant has not been reported in the literature in individuals affected with AXIN2-related conditions. ClinVar contains an entry for this variant (Variation ID: 533187). An algorithm developed to predict the effect of missense changes on protein structure and function (PolyPhen-2) suggests that this variant is likely to be tolerated. In summary, the available evidence is currently insufficient to determine the role of this variant in disease. Therefore, it has been classified as a Variant of Uncertain Significance.

Ambry Genetics
Classification: Likely benign for Hereditary cancer-predisposing syndrome. Last evaluated: 2024-01-22. Review status: criteria provided, single submitter. Criteria: Ambry Variant Classification Scheme 2023. Collection method: clinical testing. Allele origin: germline.

Sema4
Classification: Uncertain significance for Hereditary cancer-predisposing syndrome. Last evaluated: 2022-03-10. Review status: criteria provided, single submitter. Criteria: Sema4 Curation Guidelines. Collection method: curation. Allele origin: germline.
Comment: The AXIN2 c.1816C>G (p.L606V) variant has not been reported in the literature to our knowledge. It was not observed in the large and broad cohorts of the Genome Aggregation Database (PMID: 32461654). This variant has been reported in ClinVar (Variation ID: 533187). Functional studies have not been performed, and in silico predictions of the variant's effect on protein function are inconclusive. The evidence is insufficient to meet ACMG/AMP criteria for classifying the variant as benign or pathogenic. Thus, the clinical significance of this variant is currently uncertain.